The following is an entry in ClinVar:

NM_014727.3(KMT2B):c.1891C>T (p.Pro631Ser)

Gene: KMT2B (lysine methyltransferase 2B; plus strand). Cytogenetic location: 19q13.12.
Variant type: single nucleotide variant.
Coding change: c.1891C>T on transcript NM_014727.3 (MANE Select); coding-DNA position 1891, C replaced by T.
Protein change: p.Pro631Ser; replaces proline 631 with serine.
Molecular consequence: missense variant.
Genome position (GRCh38, 1-based): chr19:35,721,238, C>T. VCF-style: chr19-35721238-C-T. GRCh37 (hg19) VCF-style: chr19-36212140-C-T.
Other names: short protein forms P631S.
Identifiers: ClinVar variation 4746103 (VCV004746103.1).
Genomic context (GRCh38, chr19:35,721,238, plus strand): 5'-TGGACCTCACTGACCCGGGAGCTGCCCCCTCCTCCCCCAGCCCCTCCACCTCCCCCGGCC[C>T]CCTCCCCACCCCCTGCTCCTGCCACCTCCTCCCGGAGGCCCCTACTCCTTCGGGCCCCTC-3'
Protein context (NP_055542.1, residues 621-641): PPPAPPPPPA[Pro631Ser]SPPPAPATSS

ClinVar aggregate classification (germline): Uncertain significance (1 of 4 stars; one submission).

Submission:

Labcorp Genetics (formerly Invitae), Labcorp
Classification: Uncertain significance. Last evaluated: 2025-03-13. Review status: criteria provided, single submitter. Criteria: Invitae Variant Classification Sherloc (09022015). Collection method: clinical testing. Allele origin: germline.
Comment: This sequence change replaces proline, which is neutral and non-polar, with serine, which is neutral and polar, at codon 631 of the KMT2B protein (p.Pro631Ser). This variant is not present in population databases (gnomAD no frequency). This variant has not been reported in the literature in individuals affected with KMT2B-related conditions. Invitae Evidence Modeling of protein sequence and biophysical properties (such as structural, functional, and spatial information, amino acid conservation, physicochemical variation, residue mobility, and thermodynamic stability) indicates that this missense variant is not expected to disrupt KMT2B protein function with a negative predictive value of 80%. In summary, the available evidence is currently insufficient to determine the role of this variant in disease. Therefore, it has been classified as a Variant of Uncertain Significance.